The following is an entry in ClinVar:

ClinVar aggregate classification (germline): Uncertain significance (1 of 4 stars; one submission).

Conditions:
DOCK2 deficiency. Also called: Immunodeficiency 40. Identifiers: Orphanet 447737, MedGen C4225328, MONDO:0014637, OMIM 616433.

Allele frequency attached by ClinVar (database versions not stated): gnomAD exomes below 0.00001.
gnomAD v4.1: 4 of 1,614,132 alleles (0.00025%); highest among the groups gnomAD compares: Non-Finnish European, 0.00034%; no homozygotes.

Submission:

Labcorp Genetics (formerly Invitae), Labcorp
Classification: Uncertain significance for DOCK2 deficiency. Last evaluated: 2023-10-13. Review status: criteria provided, single submitter. Criteria: Invitae Variant Classification Sherloc (09022015). Collection method: clinical testing. Allele origin: germline.
Comment: This sequence change replaces isoleucine, which is neutral and non-polar, with valine, which is neutral and non-polar, at codon 1298 of the DOCK2 protein (p.Ile1298Val). This variant is present in population databases (rs757052633, gnomAD 0.0009%). This variant has not been reported in the literature in individuals affected with DOCK2-related conditions. ClinVar contains an entry for this variant (Variation ID: 1390825). An algorithm developed to predict the effect of missense changes on protein structure and function (PolyPhen-2) suggests that this variant is likely to be disruptive. In summary, the available evidence is currently insufficient to determine the role of this variant in disease. Therefore, it has been classified as a Variant of Uncertain Significance.

NM_004946.3(DOCK2):c.3892A>G (p.Ile1298Val)

Gene: DOCK2 (dedicator of cytokinesis 2; plus strand). Cytogenetic location: 5q35.1.
Variant type: single nucleotide variant.
Coding change: c.3892A>G on transcript NM_004946.3 (MANE Select); coding-DNA position 3892, A replaced by G.
Protein change: p.Ile1298Val; replaces isoleucine 1298 with valine.
Molecular consequence: missense variant. On other transcripts: non-coding transcript variant (1).
Genome position (GRCh38, 1-based): chr5:170,045,831, A>G. VCF-style: chr5-170045831-A-G. GRCh37 (hg19) VCF-style: chr5-169472835-A-G.
Other names: short protein forms I1298V.
Identifiers: ClinVar variation 1390825 (VCV001390825.6), dbSNP rs757052633, ClinGen allele CA132046489.
Genomic context (GRCh38, chr5:170,045,831, plus strand): 5'-ACCCGGTGGTGCCACCTCACCTTTGTCCCTGTGACCTTCCTGTAGATGTGGGAAGAGGCC[A>G]TAAGTCTGTGCAAGGAGCTGGCGGAACAGTACGAGATGGAGATCTTTGACTATGAGCTGC-3'
Protein context (NP_004937.1, residues 1288-1308): FDKGKMWEEA[Ile1298Val]SLCKELAEQY